The following is an entry in ClinVar:

ClinVar aggregate classification (germline): Conflicting classifications of pathogenicity. Review status: criteria provided, conflicting classifications (1 of 4 stars). 4 submissions from 4 submitters: Uncertain significance (1); Likely benign (2). 1 of the submissions does not count toward it. Last evaluated 2026-01-12.

Conditions:
CEP135-related disorder. Also called: CEP135-related condition.

Allele frequency attached by ClinVar (database versions not stated): 1000 Genomes Project 30x 0.00109; 1000 Genomes Project 0.00120; gnomAD exomes 0.00147 and 0.00194; TOPMed 0.00149; gnomAD 0.00157 and 0.00158; ExAC 0.00177; ESP Exome Variant Server 0.00215.
gnomAD v4.1: 2,983 of 1,576,822 alleles (0.19%); highest among the groups gnomAD compares: Non-Finnish European, 0.23%; 2 homozygotes.

Submissions (4):

Labcorp Genetics (formerly Invitae), Labcorp
Classification: Likely benign. Last evaluated: 2026-01-12. Review status: criteria provided, single submitter. Criteria: Invitae Variant Classification Sherloc (09022015). Collection method: clinical testing. Allele origin: germline.

Blueprint Genetics
Classification: Likely benign. Last evaluated: 2024-11-26. Review status: criteria provided, single submitter. Criteria: ACMG Guidelines, 2015. Collection method: clinical testing. Allele origin: germline.

Genetic Services Laboratory, University of Chicago
Classification: Uncertain significance. Last evaluated: 2014-04-04. Review status: criteria provided, single submitter. Criteria: ACMG Guidelines, 2007. Collection method: clinical testing. Allele origin: germline.

PreventionGenetics, part of Exact Sciences
Classification: Likely benign for CEP135-related condition. Last evaluated: 2022-04-20. Review status: no assertion criteria provided. Collection method: clinical testing. Allele origin: germline. Not counted in ClinVar's aggregate classification.
Comment: This variant is classified as likely benign based on ACMG/AMP sequence variant interpretation guidelines (Richards et al. 2015 PMID: 25741868, with internal and published modifications).

NM_025009.5(CEP135):c.2767G>A (p.Glu923Lys)

Gene: CEP135 (centrosomal protein 135; plus strand). Cytogenetic location: 4q12.
Variant type: single nucleotide variant.
Coding change: c.2767G>A on transcript NM_025009.5 (MANE Select); coding-DNA position 2767, G replaced by A.
Protein change: p.Glu923Lys; replaces glutamic acid 923 with lysine.
Molecular consequence: missense variant.
Genome position (GRCh38, 1-based): chr4:56,011,950, G>A. VCF-style: chr4-56011950-G-A. GRCh37 (hg19) VCF-style: chr4-56878116-G-A.
Other names: short protein forms E923K.
Identifiers: ClinVar variation 210679 (VCV000210679.18), dbSNP rs145959811, ClinGen allele CA207016.